The following is an entry in ClinVar:

NM_004415.4(DSP):c.7678A>G (p.Met2560Val)

Gene: DSP (desmoplakin; plus strand). Cytogenetic location: 6p24.3.
Variant type: single nucleotide variant.
Coding change: c.7678A>G on transcript NM_004415.4 (MANE Select); coding-DNA position 7678, A replaced by G.
Protein change: p.Met2560Val; replaces methionine 2560 with valine.
Molecular consequence: missense variant.
Genome position (GRCh38, 1-based): chr6:7,584,940, A>G. VCF-style: chr6-7584940-A-G. GRCh37 (hg19) VCF-style: chr6-7585173-A-G.
Other names: c.5881A>G, p.Met1961Val (NM_001008844.3); c.6349A>G, p.Met2117Val (NM_001319034.2); short protein forms M1961V, M2560V, M2117V.
Identifiers: ClinVar variation 1760093 (VCV001760093.2), dbSNP rs781136613, ClinGen allele CA050425.
Genomic context (GRCh38, chr6:7,584,940, plus strand): 5'-GACAGGAAGTTCTTTGATCAGTACCGATCCGGCAGCCTCAGCCTCACTCAATTTGCTGAC[A>G]TGATCTCCTTGAAAAATGGTGTCGGCACCAGCAGCAGCATGGGCAGTGGTGTCAGCGATG-3'
Protein context (NP_004406.2, residues 2550-2570): GSLSLTQFAD[Met2560Val]ISLKNGVGTS

ClinVar aggregate classification (germline): Uncertain significance (1 of 4 stars; one submission).

Conditions:
Cardiovascular phenotype. Identifiers: MedGen CN230736.

Allele frequency attached by ClinVar (database versions not stated): ExAC 0.00001.
gnomAD v4.1: 2 of 1,614,186 alleles (0.00012%); highest among the groups gnomAD compares: South Asian, 0.0011%; no homozygotes.

Submission:

Ambry Genetics
Classification: Uncertain significance for Cardiovascular phenotype. Last evaluated: 2020-02-11. Review status: criteria provided, single submitter. Criteria: Ambry Variant Classification Scheme 2023. Collection method: clinical testing. Allele origin: germline.
Comment: The p.M2560V variant (also known as c.7678A>G), located in coding exon 24 of the DSP gene, results from an A to G substitution at nucleotide position 7678. The methionine at codon 2560 is replaced by valine, an amino acid with highly similar properties. This amino acid position is well conserved in available vertebrate species. In addition, the in silico prediction for this alteration is inconclusive. Since supporting evidence is limited at this time, the clinical significance of this alteration remains unclear.